The following is an entry in ClinVar:

GRCh38/hg38 19q13.2(chr19:41987984-42252574)x1

Genes: POU2F2-AS2 (POU2F2 antisense RNA 2; plus strand), ZNF526 (zinc finger protein 526; plus strand), ZNF574 (zinc finger protein 574; plus strand), MIR4323 (microRNA 4323; minus strand), POU2F2 (POU class 2 homeobox 2; minus strand) and 31 more. Cytogenetic location: 19q13.2.
Variant type: copy number loss.
Change: copy number 1 (one copy instead of two) of chr19:41,987,984-42,252,574 (264.6 kb, GRCh38 coordinates, 1-based), cytogenetic band 19q13.2.
Identifiers: ClinVar variation 1064661 (VCV001064661.1).

ClinVar aggregate classification (germline): Pathogenic (0 of 4 stars; one submission).

Conditions:
Syndromic intellectual disability. Also called: Intellectual disability syndrome. Identifiers: Orphanet 183763, MedGen C5680525, MONDO:0000508.

Submission:

Wilkie Group, Clinical Genetics Lab, WIMM, University of Oxford
Classification: Pathogenic for Syndromic intellectual disability. Last evaluated: 2021-01-01. Review status: no assertion criteria provided. Collection method: clinical testing. Allele origin: unknown. Affected: yes.
Comment: Unknown inheritance